The following is an entry in ClinVar:

NM_000545.8(HNF1A):c.1207del (p.Leu403fs)

Gene: HNF1A (HNF1 homeobox A; plus strand). Cytogenetic location: 12q24.31.
Variant type: Deletion.
Coding change: c.1207del on transcript NM_000545.8 (MANE Select); coding-DNA position 1207, one base deleted (C; older notation c.1207delC).
Protein change: p.Leu403fs; shifts the reading frame from leucine 403.
Molecular consequence: frameshift variant.
Genome position (GRCh38, 1-based): chr12:120,996,640, C deleted; the last of 2 consecutive C bases (chr12:120,996,639-120,996,640); deleting either gives the same sequence. VCF-style (leftmost placement, unchanged base first): chr12-120996638-AC-A. GRCh37 (hg19) VCF-style: chr12-121434441-AC-A.
Other names: NM_001306179.2:c.1207del; c.1207del, p.Leu403fs (NM_001306179.2, NM_001406915.1); short protein forms L403fs.
Identifiers: ClinVar variation 3358872 (VCV003358872.1).

ClinVar aggregate classification (germline): Pathogenic (3 of 4 stars; one submission).

Conditions:
Monogenic diabetes. Identifiers: Orphanet 183625, MedGen C3888631, MONDO:0015967.

Submission:

ClinGen Monogenic Diabetes Variant Curation Expert Panel
Classification: Pathogenic for Monogenic diabetes. Last evaluated: 2024-09-10. Review status: reviewed by expert panel. Criteria: ClinGen Diabetes ACMG Specifications HNF1A V2.1.0. Collection method: curation. Allele origin: germline. Inheritance: Autosomal dominant inheritance.
Comment: The c.1207del variant in the HNF1A homoeobox A gene, HNF1A, causes a frameshift in the protein at codon 1207 in NM_000545.8, adding 10 novel amino acids before encountering a stop codon (p.(Leu403SerfsTer10)). This variant, located in biologically-relevant exon 6 of 10, is predicted to lead to nonsense mediated decay in a gene in which loss-of-function is an established disease mechanism (PVS1; PMID: 23348805). This variant is absent from gnomAD v2.1.1 (PM2_Supporting). This variant was identified in an individual with a clinical history highly specific for HNF1A-monogenic diabetes (MODY probability calculator result >50%, negative genetic testing for HNF4A, negative antibodies) (PP4_Moderate; internal lab contributors). In summary, c.1207del meets the criteria to be classified as pathogenic for monogenic diabetes. ACMG/AMP criteria applied, as specified by the ClinGen MDEP (specification version 2.1.0 approved 8/11/2023): PVS1, PP4_Moderate, PM2_Supporting.